The following is an entry in ClinVar:

ClinVar aggregate classification (germline): Uncertain significance. Review status: criteria provided, multiple submitters, no conflicts (2 of 4 stars). 3 submissions from 3 submitters: Uncertain significance (3). Last evaluated 2024-07-18.

Conditions:
MOGS-congenital disorder of glycosylation. Also called: CDG IIb; GLUCOSIDASE I DEFICIENCY; MOGS-CDG; CDG 2B. Identifiers: Orphanet 79330, MedGen C1853736, MONDO:0011629, OMIM 606056.

Allele frequency attached by ClinVar (database versions not stated): ESP Exome Variant Server 0.00008.
gnomAD v4.1: 317 of 1,614,030 alleles (0.02%); highest among the groups gnomAD compares: Non-Finnish European, 0.026%; no homozygotes.

Submissions (3):

Blueprint Genetics
Classification: Uncertain significance. Last evaluated: 2024-07-18. Review status: criteria provided, single submitter. Criteria: ACMG Guidelines, 2015. Collection method: clinical testing. Allele origin: germline.

Center for Genomics, Ann and Robert H. Lurie Children's Hospital of Chicago
Classification: Uncertain significance for MOGS-congenital disorder of glycosylation. Last evaluated: 2022-10-04. Review status: criteria provided, single submitter. Criteria: ACMG Guidelines, 2015. Collection method: clinical testing. Allele origin: germline.
Comment: This variant has not been reported in the literature but is present in the Genome Aggregation Database (Highest reported MAF 0.02% (17/68038)). This variant is present in ClinVar (Variation ID:1355802). Evolutionary conservation and computational predictive tools suggest that this variant may not impact the protein. In summary, data on this variant is insufficient for disease classification. Therefore, the clinical significance of this variant is uncertain.

Labcorp Genetics (formerly Invitae), Labcorp
Classification: Uncertain significance for MOGS-congenital disorder of glycosylation. Last evaluated: 2022-09-13. Review status: criteria provided, single submitter. Criteria: Invitae Variant Classification Sherloc (09022015). Collection method: clinical testing. Allele origin: germline.
Comment: This sequence change replaces threonine, which is neutral and polar, with arginine, which is basic and polar, at codon 612 of the MOGS protein (p.Thr612Arg). This variant is present in population databases (rs371586378, gnomAD 0.02%). This variant has not been reported in the literature in individuals affected with MOGS-related conditions. ClinVar contains an entry for this variant (Variation ID: 1355802). Advanced modeling of protein sequence and biophysical properties (such as structural, functional, and spatial information, amino acid conservation, physicochemical variation, residue mobility, and thermodynamic stability) performed at Invitae indicates that this missense variant is not expected to disrupt MOGS protein function. In summary, the available evidence is currently insufficient to determine the role of this variant in disease. Therefore, it has been classified as a Variant of Uncertain Significance.

NM_006302.3(MOGS):c.1835C>G (p.Thr612Arg)

Gene: MOGS (mannosyl-oligosaccharide glucosidase; minus strand). Cytogenetic location: 2p13.1.
Variant type: single nucleotide variant.
Coding change: c.1835C>G on transcript NM_006302.3 (MANE Select); coding-DNA position 1835, C replaced by G.
Protein change: p.Thr612Arg; replaces threonine 612 with arginine.
Molecular consequence: missense variant.
Genome position (GRCh38, 1-based): chr2:74,461,954, G>C on the plus strand (C>G on the coding strand, the complement: MOGS is on the minus strand). VCF-style: chr2-74461954-G-C. GRCh37 (hg19) VCF-style: chr2-74689081-G-C.
Other names: c.1517C>G, p.Thr506Arg (NM_001146158.2); short protein forms T506R, T612R.
Identifiers: ClinVar variation 1355802 (VCV001355802.6), dbSNP rs371586378, ClinGen allele CA1724709.